The following is an entry in ClinVar:

ClinVar aggregate classification (germline): Uncertain significance (1 of 4 stars; one submission).

Conditions:
Congenital contractural arachnodactyly (CCA). Also called: BEALS SYNDROME; Arthrogryposis, distal, type 9; Beals-Hecht syndrome. Identifiers: Orphanet 115, MedGen C0220668, MONDO:0007363, OMIM 121050.

Submission:

Labcorp Genetics (formerly Invitae), Labcorp
Classification: Uncertain significance for Congenital contractural arachnodactyly. Last evaluated: 2020-02-04. Review status: criteria provided, single submitter. Criteria: Invitae Variant Classification Sherloc (09022015). Collection method: clinical testing. Allele origin: germline.
Comment: This variant has not been reported in the literature in individuals with FBN2-related conditions. This variant is not present in population databases (ExAC no frequency). This sequence change replaces glycine with arginine at codon 871 of the FBN2 protein (p.Gly871Arg). The glycine residue is moderately conserved and there is a moderate physicochemical difference between glycine and arginine. Algorithms developed to predict the effect of missense changes on protein structure and function are either unavailable or do not agree on the potential impact of this missense change (SIFT: "Deleterious"; PolyPhen-2: "Possibly Damaging"; Align-GVGD: "Class C0"). In summary, the available evidence is currently insufficient to determine the role of this variant in disease. Therefore, it has been classified as a Variant of Uncertain Significance.

NM_001999.4(FBN2):c.2611G>C (p.Gly871Arg)

Gene: FBN2 (fibrillin 2; minus strand). Cytogenetic location: 5q23.3.
Variant type: single nucleotide variant.
Coding change: c.2611G>C on transcript NM_001999.4 (MANE Select); coding-DNA position 2611, G replaced by C.
Protein change: p.Gly871Arg; replaces glycine 871 with arginine.
Molecular consequence: missense variant.
Genome position (GRCh38, 1-based): chr5:128,357,339, C>G on the plus strand (G>C on the coding strand, the complement: FBN2 is on the minus strand). VCF-style: chr5-128357339-C-G. GRCh37 (hg19) VCF-style: chr5-127693031-C-G.
Other names: short protein forms G871R.
Identifiers: ClinVar variation 843604 (VCV000843604.12), dbSNP rs1751526889, ClinGen allele CA360767417.